The following is an entry in ClinVar:

NM_004174.4(SLC9A3):c.343T>G (p.Phe115Val)

Gene: SLC9A3 (solute carrier family 9 member A3). Cytogenetic location: 5p15.33.
Variant type: single nucleotide variant.
Coding change: c.343T>G on transcript NM_004174.4 (MANE Select); coding-DNA position 343, T replaced by G.
Protein change: p.Phe115Val; replaces phenylalanine 115 with valine.
Molecular consequence: missense variant.
Genome position (GRCh38, 1-based): chr5:491,940, A>C on the plus strand (T>G on the coding strand, the complement: SLC9A3 is on the minus strand). VCF-style: chr5-491940-A-C. GRCh37 (hg19) VCF-style: chr5-492055-A-C.
Other names: c.343T>G, p.Phe115Val (NM_001284351.3); c.343T>G (NM_004174.2); short protein forms F115V.
Identifiers: ClinVar variation 1494680 (VCV001494680.6), dbSNP rs753749438, ClinGen allele CA3176359.

ClinVar aggregate classification (germline): Uncertain significance. Review status: criteria provided, multiple submitters, no conflicts (2 of 4 stars). 2 submissions from 2 submitters: Uncertain significance (2). Last evaluated 2022-10-17.

Conditions:
Inborn genetic diseases. Identifiers: MedGen C0950123, MeSH D030342.

Allele frequency attached by ClinVar (database versions not stated): TOPMed 0.00011; gnomAD exomes 0.00012 and 0.00015; gnomAD 0.00015 and 0.00016; ExAC 0.00017.
gnomAD v4.1: 207 of 1,610,998 alleles (0.013%); highest among the groups gnomAD compares: South Asian, 0.064%; 2 homozygotes.

Submissions (2):

Labcorp Genetics (formerly Invitae), Labcorp
Classification: Uncertain significance. Last evaluated: 2022-10-17. Review status: criteria provided, single submitter. Criteria: Invitae Variant Classification Sherloc (09022015). Collection method: clinical testing. Allele origin: germline.
Comment: This sequence change replaces phenylalanine, which is neutral and non-polar, with valine, which is neutral and non-polar, at codon 115 of the SLC9A3 protein (p.Phe115Val). This variant is present in population databases (rs753749438, gnomAD 0.06%). This variant has not been reported in the literature in individuals affected with SLC9A3-related conditions. ClinVar contains an entry for this variant (Variation ID: 1494680). Advanced modeling of protein sequence and biophysical properties (such as structural, functional, and spatial information, amino acid conservation, physicochemical variation, residue mobility, and thermodynamic stability) performed at Invitae indicates that this missense variant is expected to disrupt SLC9A3 protein function. In summary, the available evidence is currently insufficient to determine the role of this variant in disease. Therefore, it has been classified as a Variant of Uncertain Significance.

Ambry Genetics
Classification: Uncertain significance for Inborn genetic diseases. Last evaluated: 2021-09-17. Review status: criteria provided, single submitter. Criteria: Ambry Variant Classification Scheme 2023. Collection method: clinical testing. Allele origin: germline.